The following is an entry in ClinVar:

ClinVar aggregate classification (germline): Uncertain significance. Review status: criteria provided, multiple submitters, no conflicts (2 of 4 stars). 2 submissions from 2 submitters: Uncertain significance (2). Last evaluated 2025-06-07.

Allele frequency attached by ClinVar (database versions not stated): gnomAD exomes 0.00002; gnomAD 0.00001.
gnomAD v4.1: 38 of 1,614,018 alleles (0.0024%); highest among the groups gnomAD compares: African/African-American, 0.004%; no homozygotes.

Submissions (2):

Ambry Genetics
Classification: Uncertain significance. Last evaluated: 2025-06-07. Review status: criteria provided, single submitter. Criteria: Ambry Variant Classification Scheme 2023. Collection method: clinical testing. Allele origin: germline.

Labcorp Genetics (formerly Invitae), Labcorp
Classification: Uncertain significance. Last evaluated: 2022-06-24. Review status: criteria provided, single submitter. Criteria: Invitae Variant Classification Sherloc (09022015). Collection method: clinical testing. Allele origin: germline.
Comment: This sequence change replaces arginine, which is basic and polar, with tryptophan, which is neutral and slightly polar, at codon 137 of the IL6R protein (p.Arg137Trp). This variant is present in population databases (rs576589094, gnomAD 0.0009%). This variant has not been reported in the literature in individuals affected with IL6R-related conditions. Algorithms developed to predict the effect of missense changes on protein structure and function are either unavailable or do not agree on the potential impact of this missense change (SIFT: "Deleterious"; PolyPhen-2: "Possibly Damaging"; Align-GVGD: "Class C15"). In summary, the available evidence is currently insufficient to determine the role of this variant in disease. Therefore, it has been classified as a Variant of Uncertain Significance.

NM_000565.4(IL6R):c.409C>T (p.Arg137Trp)

Gene: IL6R (interleukin 6 receptor; plus strand). Cytogenetic location: 1q21.3.
Variant type: single nucleotide variant.
Coding change: c.409C>T on transcript NM_000565.4 (MANE Select); coding-DNA position 409, C replaced by T.
Protein change: p.Arg137Trp; replaces arginine 137 with tryptophan.
Molecular consequence: missense variant. On other transcripts: intron variant (1).
Genome position (GRCh38, 1-based): chr1:154,430,557, C>T. VCF-style: chr1-154430557-C-T. GRCh37 (hg19) VCF-style: chr1-154403033-C-T.
Other names: c.409C>T, p.Arg137Trp (NM_001206866.2, NM_001382769.1, NM_001382770.1 and 4 more transcripts); c.126+1321C>T (NM_001382774.1); c.409C>T (NM_000565.3); short protein forms R137W.
Identifiers: ClinVar variation 1914059 (VCV001914059.3), dbSNP rs576589094, ClinGen allele CA30796315.
Genomic context (GRCh38, chr1:154,430,557, plus strand): 5'-CCCCAGCTCTCCTGCTTCCGGAAGAGCCCCCTCAGCAATGTTGTTTGTGAGTGGGGTCCT[C>T]GGAGCACCCCATCCCTGACGACAAAGGCTGTGCTCTTGGTGAGGAAGTTGTAAGTATCTT-3'
Protein context (NP_000556.1, residues 127-147): LSNVVCEWGP[Arg137Trp]STPSLTTKAV